The following is an entry in ClinVar:

ClinVar aggregate classification (germline): Pathogenic (1 of 4 stars; one submission).

Conditions:
Fetal anomalies with a likely genetic cause.

Submission:

Genetics Laboratory, Great Ormond Street Hospital NHS Foundation Trust, North Thames Genomic Laboratory Hub
Classification: Pathogenic for Fetal anomalies with a likely genetic cause. Last evaluated: 2026-03-24. Review status: criteria provided, single submitter. Criteria: ACGS Best Practice Guidelines for Variant Classification in Rare Disease 2024 v1.2. Collection method: clinical testing. Allele origin: germline. Affected: yes.
Comment: PM2_moderate, PVS1_very-strong

NM_003737.4(DCHS1):c.3810del (p.Glu1272fs)

Gene: DCHS1 (dachsous cadherin-related 1; minus strand). Cytogenetic location: 11p15.4.
Variant type: Deletion.
Coding change: c.3810del on transcript NM_003737.4 (MANE Select); coding-DNA position 3810, one base deleted (A; older notation c.3810delA).
Protein change: p.Glu1272fs; shifts the reading frame from glutamic acid 1272.
Molecular consequence: frameshift variant.
Genome position (GRCh38, 1-based): chr11:6,631,173, T deleted on the plus strand (A on the coding strand, the reverse complement: DCHS1 is on the minus strand). VCF-style (leftmost placement, unchanged base first): chr11-6631172-CT-C. GRCh37 (hg19) VCF-style: chr11-6652403-CT-C.
Other names: short protein forms E1272fs.
Identifiers: ClinVar variation 4851361 (VCV004851361.1).